The following is an entry in ClinVar:

ClinVar aggregate classification (germline): Uncertain significance. Review status: criteria provided, multiple submitters, no conflicts (2 of 4 stars). 2 submissions from 2 submitters: Uncertain significance (2). Last evaluated 2024-12-11.

Conditions:
Inborn genetic diseases. Identifiers: MedGen C0950123, MeSH D030342.

Allele frequency attached by ClinVar (database versions not stated): gnomAD 0.00002.
gnomAD v4.1: 5 of 1,605,530 alleles (0.00031%); highest among the groups gnomAD compares: African/African-American, 0.0067%; no homozygotes.

Submissions (2):

GeneDx
Classification: Uncertain significance. Last evaluated: 2024-12-11. Review status: criteria provided, single submitter. Criteria: GeneDx Variant Classification Process June 2021. Collection method: clinical testing. Allele origin: germline. Affected: yes.
Comment: In silico analysis indicates that this missense variant does not alter protein structure/function; Has not been previously published as pathogenic or benign to our knowledge; Reported using an alternate transcript of the gene

Ambry Genetics
Classification: Uncertain significance for Inborn genetic diseases. Last evaluated: 2022-01-03. Review status: criteria provided, single submitter. Criteria: Ambry Variant Classification Scheme 2023. Collection method: clinical testing. Allele origin: germline.

NM_001384140.1(PCDH15):c.4671+1688G>C

Gene: PCDH15 (protocadherin related 15; minus strand). Cytogenetic location: 10q21.1.
Variant type: single nucleotide variant.
Coding change: c.4671+1688G>C on transcript NM_001384140.1 (MANE Select); 1688 bases into the intron after coding-DNA position 4671, G replaced by C.
Molecular consequence: intron variant. On other transcripts: missense variant (2), 3 prime UTR variant (1).
Genome position (GRCh38, 1-based): chr10:53,808,868, C>G on the plus strand (G>C on the coding strand, the complement: PCDH15 is on the minus strand). VCF-style: chr10-53808868-C-G. GRCh37 (hg19) VCF-style: chr10-55568628-C-G.
Other names: c.5197G>C, p.Val1733Leu (NM_001142769.4); c.*612G>C (NM_001142770.3); c.5176G>C, p.Val1726Leu (NM_001354411.2); c.4476+1688G>C (NM_001354420.2); c.4605+1688G>C (NM_001354429.2); c.4482+1688G>C (NM_001142772.2); c.4497+1688G>C (NM_001142771.2); short protein forms V1733L, V1726L.
Identifiers: ClinVar variation 2268708 (VCV002268708.3), dbSNP rs774200003, ClinGen allele CA5504708.
Genomic context (GRCh38, chr10:53,808,868, plus strand): 5'-CGCTACTACTGCTACTACTACCTGATTCTGATTCCTCCTCACTTTCCACACCTCCTTCCA[C>G]CGAAGCTGATTCTGCACTGCCCTCTTCAGGGATATCTTGAGCTTCAGGGTCTGTACTTTC-3'